The following is an entry in ClinVar:

ClinVar aggregate classification (germline): Pathogenic (1 of 4 stars; one submission).

Allele frequency attached by ClinVar (database versions not stated): TOPMed 0.00004.
gnomAD v4.1: 3 of 1,613,848 alleles (0.00019%); highest among the groups gnomAD compares: African/African-American, 0.0027%; no homozygotes.

Submission:

Labcorp Genetics (formerly Invitae), Labcorp
Classification: Pathogenic. Last evaluated: 2024-01-02. Review status: criteria provided, single submitter. Criteria: Invitae Variant Classification Sherloc (09022015). Collection method: clinical testing. Allele origin: germline.
Comment: This sequence change creates a premature translational stop signal (p.Ser466*) in the ATP6V1B1 gene. While this is not anticipated to result in nonsense mediated decay, it is expected to disrupt the last 48 amino acid(s) of the ATP6V1B1 protein. This variant is present in population databases (no rsID available, gnomAD 0.01%). This premature translational stop signal has been observed in individual(s) with distal renal tubular acidosis (PMID: 28233610). ClinVar contains an entry for this variant (Variation ID: 2203082). This variant disrupts a region of the ATP6V1B1 protein in which other variant(s) (p.Phe468Cysfs*20) have been determined to be pathogenic (PMID: 8651253, 18368028, 25164082). This suggests that this is a clinically significant region of the protein, and that variants that disrupt it are likely to be disease-causing. For these reasons, this variant has been classified as Pathogenic.

Literature cited by the submitters: PubMed 28233610; PubMed 8651253; PubMed 18368028; PubMed 25164082.

NM_001692.4(ATP6V1B1):c.1397C>A (p.Ser466Ter)

Gene: ATP6V1B1 (ATPase H+ transporting V1 subunit B1; plus strand). Cytogenetic location: 2p13.3.
Variant type: single nucleotide variant.
Coding change: c.1397C>A on transcript NM_001692.4 (MANE Select); coding-DNA position 1397, C replaced by A.
Protein change: p.Ser466Ter; replaces serine 466 with a stop codon.
Molecular consequence: nonsense.
Genome position (GRCh38, 1-based): chr2:70,964,976, C>A. VCF-style: chr2-70964976-C-A. GRCh37 (hg19) VCF-style: chr2-71192106-C-A.
Other names: short protein forms S466*.
Identifiers: ClinVar variation 2203082 (VCV002203082.5), dbSNP rs781804904, ClinGen allele CA347189304.
Genomic context (GRCh38, chr2:70,964,976, plus strand): 5'-CCCCACACACATTCCTAACACTCCCTCCCGCTCTGTCCCTAGGCCCCTACGAGAACCGCT[C>A]GGTGTTCGAGTCGCTGGACCTGGGCTGGAAGCTGCTGCGCATCTTCCCCAAGGAGATGCT-3'